The following is an entry in ClinVar:

ClinVar aggregate classification (germline): Uncertain significance (1 of 4 stars; one submission).

Allele frequency attached by ClinVar (database versions not stated): TOPMed below 0.00001.
gnomAD v4.1: 2 of 1,614,172 alleles (0.00012%); highest among the groups gnomAD compares: Admixed American, 0.0033%; no homozygotes.

Submission:

Labcorp Genetics (formerly Invitae), Labcorp
Classification: Uncertain significance. Last evaluated: 2023-12-22. Review status: criteria provided, single submitter. Criteria: Invitae Variant Classification Sherloc (09022015). Collection method: clinical testing. Allele origin: germline.
Comment: This sequence change falls in intron 27 of the MYH3 gene. It does not directly change the encoded amino acid sequence of the MYH3 protein. It affects a nucleotide within the consensus splice site. This variant is present in population databases (no rsID available, gnomAD 0.006%). This variant has not been reported in the literature in individuals affected with MYH3-related conditions. ClinVar contains an entry for this variant (Variation ID: 2037261). Variants that disrupt the consensus splice site are a relatively common cause of aberrant splicing (PMID: 17576681, 9536098). Algorithms developed to predict the effect of sequence changes on RNA splicing suggest that this variant is not likely to affect RNA splicing. In summary, the available evidence is currently insufficient to determine the role of this variant in disease. Therefore, it has been classified as a Variant of Uncertain Significance.

Literature cited by the submitters: PubMed 17576681; PubMed 9536098.

NM_002470.4(MYH3):c.3730-3C>A

Gene: MYH3 (myosin heavy chain 3; minus strand). Cytogenetic location: 17p13.1.
Variant type: single nucleotide variant.
Coding change: c.3730-3C>A on transcript NM_002470.4 (MANE Select); 3 bases into the intron before coding-DNA position 3730, C replaced by A.
Molecular consequence: intron variant.
Genome position (GRCh38, 1-based): chr17:10,637,938, G>T on the plus strand (C>A on the coding strand, the complement: MYH3 is on the minus strand). VCF-style: chr17-10637938-G-T. GRCh37 (hg19) VCF-style: chr17-10541255-G-T.
Identifiers: ClinVar variation 2037261 (VCV002037261.4), dbSNP rs1008594833, ClinGen allele CA287783564.